The following is an entry in ClinVar:

NM_002437.5(MPV17):c.310T>A (p.Phe104Ile)

Gene: MPV17 (mitochondrial inner membrane protein MPV17; minus strand). Cytogenetic location: 2p23.3.
Variant type: single nucleotide variant.
Coding change: c.310T>A on transcript NM_002437.5 (MANE Select); coding-DNA position 310, T replaced by A.
Protein change: p.Phe104Ile; replaces phenylalanine 104 with isoleucine.
Molecular consequence: missense variant.
Genome position (GRCh38, 1-based): chr2:27,312,559, A>T on the plus strand (T>A on the coding strand, the complement: MPV17 is on the minus strand). VCF-style: chr2-27312559-A-T. GRCh37 (hg19) VCF-style: chr2-27535426-A-T.
Other names: short protein forms F104I.
Identifiers: ClinVar variation 2986830 (VCV002986830.3), dbSNP rs902269508, ClinGen allele CA44518297.

ClinVar aggregate classification (germline): Uncertain significance (1 of 4 stars; one submission).

Allele frequency attached by ClinVar (database versions not stated): gnomAD exomes below 0.00001; TOPMed 0.00002.
gnomAD v4.1: 2 of 1,614,172 alleles (0.00012%); highest among the groups gnomAD compares: African/African-American, 0.0027%; no homozygotes.

Submission:

Labcorp Genetics (formerly Invitae), Labcorp
Classification: Uncertain significance. Last evaluated: 2022-12-20. Review status: criteria provided, single submitter. Criteria: Invitae Variant Classification Sherloc (09022015). Collection method: clinical testing. Allele origin: germline.
Comment: In summary, the available evidence is currently insufficient to determine the role of this variant in disease. Therefore, it has been classified as a Variant of Uncertain Significance. Advanced modeling of protein sequence and biophysical properties (such as structural, functional, and spatial information, amino acid conservation, physicochemical variation, residue mobility, and thermodynamic stability) performed at Invitae indicates that this missense variant is not expected to disrupt MPV17 protein function. This variant has not been reported in the literature in individuals affected with MPV17-related conditions. This variant is not present in population databases (gnomAD no frequency). This sequence change replaces phenylalanine, which is neutral and non-polar, with isoleucine, which is neutral and non-polar, at codon 104 of the MPV17 protein (p.Phe104Ile).